The following is an entry in ClinVar:

ClinVar aggregate classification (germline): Uncertain significance (1 of 4 stars; one submission).

Submission:

GeneDx
Classification: Uncertain significance. Last evaluated: 2026-01-28. Review status: criteria provided, single submitter. Criteria: GeneDx Variant Classification Process June 2021. Collection method: clinical testing. Allele origin: germline.
Comment: Not observed at significant frequency in large population cohorts (gnomAD); In silico analysis supports that this missense variant has a deleterious effect on protein structure/function; Has not been previously published as pathogenic or benign to our knowledge.

NM_001365088.1(SLC12A6):c.185A>G (p.Glu62Gly)

Gene: SLC12A6 (solute carrier family 12 member 6; minus strand). Cytogenetic location: 15q14.
Variant type: single nucleotide variant.
Coding change: c.185A>G on transcript NM_001365088.1 (MANE Select); coding-DNA position 185, A replaced by G.
Protein change: p.Glu62Gly; replaces glutamic acid 62 with glycine.
Molecular consequence: missense variant.
Genome position (GRCh38, 1-based): chr15:34,336,496, T>C on the plus strand (A>G on the coding strand, the complement: SLC12A6 is on the minus strand). VCF-style: chr15-34336496-T-C. GRCh37 (hg19) VCF-style: chr15-34628697-T-C.
Other names: c.8A>G, p.Glu3Gly (NM_001042494.2, NM_001042495.2); c.158A>G, p.Glu53Gly (NM_001042496.2); c.185A>G, p.Glu62Gly (NM_001042497.2, NM_133647.2); short protein forms E3G, E53G, E62G.
Identifiers: ClinVar variation 4975755 (VCV004975755.1).